The following is an entry in ClinVar:

ClinVar aggregate classification (germline): Likely pathogenic. Review status: criteria provided, single submitter (1 of 4 stars). 2 submissions from 2 submitters: Likely pathogenic (1). 1 of the submissions does not count toward it. Last evaluated 2018-05-10.

Conditions:
Pyruvate dehydrogenase E1-alpha deficiency (PDHAD). Also called: Ataxia, intermittent, with pyruvate dehydrogenase, or decarboxylase, deficiency; ATAXIA, INTERMITTENT, WITH PYRUVATE DEHYDROGENASE DEFICIENCY; ATAXIA WITH LACTIC ACIDOSIS I; ATAXIA, INTERMITTENT, WITH ABNORMAL PYRUVATE METABOLISM. Identifiers: Orphanet 79243, MedGen C1839413, MONDO:0010717, OMIM 312170.

Submissions (2):

Laboratory of Medical Genetics, National & Kapodistrian University of Athens
Classification: Likely pathogenic for Pyruvate dehydrogenase E1-alpha deficiency. Last evaluated: 2018-05-10. Review status: criteria provided, single submitter. Criteria: ACMG Guidelines, 2015. Collection method: clinical testing. Allele origin: de novo. Affected: yes.
Comment: PS2, PM2,PP2,PP3

PDHA1 Study Group, University Children’s Hospital, Paracelsus Medical University
Classification: Pathogenic for Pyruvate dehydrogenase E1-alpha deficiency. Last evaluated: 2024-10-15. Review status: no assertion criteria provided. Collection method: research. Allele origin: inherited. Affected: yes. Observed: 2 variant alleles. Not counted in ClinVar's aggregate classification.
Comment: The NM_000284.3:c.749C>T (p.Pro250Leu) substitution is a missense variant in PDHA1 gene. In total, 2 individuals were diagnosed with PDHA1-related Pyruvate dehydrogenase complex (PDHc) deficiency (MIM #312170). Among them, 1 were confirmed inherited. The variant has been reported in 2 published cases (PMIDs: 21914562, 21470495). Last literature search: July 12, 2024. This variant is absent or extremely rare in population-based cohorts in the Genome Aggregation Database (gnomAD). Individuals harboring this variant presented with clinical features compatible with PDHA1-related PDHc deficiency. In summary, this variant meets criteria to be classified as pathogenic (P) for PDHA1-related PDHc deficiency based on the ACMG/AMP criteria applied: PS3, PM1, PM2, PM5, PM7, PP3 (last assessment October 15, 2024).

Literature cited by the submitters: PubMed 21914562 (cited by PDHA1 Study Group, University Children’s Hospital, Paracelsus Medical University); PubMed 21470495 (cited by PDHA1 Study Group, University Children’s Hospital, Paracelsus Medical University); DOI 10.1093/brain/awaf430 (cited by PDHA1 Study Group, University Children’s Hospital, Paracelsus Medical University).

NM_000284.4(PDHA1):c.749C>T (p.Pro250Leu)

Gene: PDHA1 (pyruvate dehydrogenase E1 subunit alpha 1; plus strand). Cytogenetic location: Xp22.12.
Variant type: single nucleotide variant.
Coding change: c.749C>T on transcript NM_000284.4 (MANE Select); coding-DNA position 749, C replaced by T.
Protein change: p.Pro250Leu; replaces proline 250 with leucine.
Molecular consequence: missense variant.
Genome position (GRCh38, 1-based): chrX:19,355,494, C>T. VCF-style: chrX-19355494-C-T. GRCh37 (hg19) VCF-style: chrX-19373612-C-T.
Other names: c.863C>T, p.Pro288Leu (NM_001173454.2); c.770C>T, p.Pro257Leu (NM_001173455.2); c.656C>T, p.Pro219Leu (NM_001173456.2); c.749C>T (NM_000284.3); short protein forms P250L, P288L, P219L, P257L.
Identifiers: ClinVar variation 637039 (VCV000637039.2), dbSNP rs1602227679, ClinGen allele CA412394683.